The following is an entry in ClinVar:

NC_000007.14:g.156779374T>C

Genes: LMBR1 (limb development membrane protein 1; minus strand), SHH (sonic hedgehog signaling molecule; minus strand). Cytogenetic location: 7q36.3.
Variant type: single nucleotide variant.
Molecular consequence: intron variant (on NM_022458.4).
Genome position: GRCh38 VCF-style: chr7-156779374-T-C. GRCh37 (hg19) VCF-style: chr7-156572068-T-C.
Other names: c.424-15579A>G (NM_022458.4, NM_001363409.2, NM_001350953.2 and 1 more transcripts); c.-34+281A>G (NM_001350958.2, NM_001350956.2, NM_001350955.2 and 1 more transcripts); c.55-15579A>G (NM_001350957.2, NM_001363411.2); c.361-15579A>G (NM_001363412.2); c.145-15579A>G (NM_001350954.2).
Identifiers: ClinVar variation 2867394 (VCV002867394.3), dbSNP rs1015964614, ClinGen allele CA169822124.

ClinVar aggregate classification (germline): Uncertain significance (1 of 4 stars; one submission).

Conditions:
Holoprosencephaly 3 (HPE3). Identifiers: Orphanet 2162, MedGen C1840529, MONDO:0007733, OMIM 142945.

Allele frequency attached by ClinVar (database versions not stated): gnomAD 0.00005; TOPMed 0.00005.
gnomAD v4.1: 7 of 152,230 alleles (0.0046%); highest among the groups gnomAD compares: Non-Finnish European, 0.01%; no homozygotes.

Submission:

Labcorp Genetics (formerly Invitae), Labcorp
Classification: Uncertain significance for Holoprosencephaly 3. Last evaluated: 2024-03-15. Review status: criteria provided, single submitter. Criteria: Invitae Variant Classification Sherloc (09022015). Collection method: clinical testing. Allele origin: germline.
Comment: This variant occurs in a non-coding region of the SHH gene. It does not change the encoded amino acid sequence of the SHH protein. This variant is present in population databases (no rsID available, gnomAD 0.01%). This variant has not been reported in the literature in individuals affected with SHH-related conditions. Experimental studies and prediction algorithms are not available or were not evaluated, and the effect of this variant on mRNA splicing is currently unknown. In summary, the available evidence is currently insufficient to determine the role of this variant in disease. Therefore, it has been classified as a Variant of Uncertain Significance.